The following is an entry in ClinVar:

ClinVar aggregate classification (germline): Uncertain significance (1 of 4 stars; one submission).

Conditions:
Hereditary breast ovarian cancer syndrome. Also called: Hereditary breast and ovarian cancer syndrome; Breast and ovarian cancer; Hereditary breast and/or ovarian cancer syndrome; Hereditary breast and ovarian cancer; BRCA1- and BRCA2-Associated Hereditary Breast and Ovarian Cancer; Hereditary breast and ovarian cancer syndrome (HBOC). Identifiers: Orphanet 145, MedGen C0677776, MeSH D061325, MONDO:0003582. Disease mechanism: loss of function.

Submission:

Labcorp Genetics (formerly Invitae), Labcorp
Classification: Uncertain significance for Hereditary breast ovarian cancer syndrome. Last evaluated: 2019-12-27. Review status: criteria provided, single submitter. Criteria: Invitae Variant Classification Sherloc (09022015). Collection method: clinical testing. Allele origin: germline.
Comment: In summary, the available evidence is currently insufficient to determine the role of this variant in disease. Therefore, it has been classified as a Variant of Uncertain Significance. Algorithms developed to predict the effect of missense changes on protein structure and function are either unavailable or do not agree on the potential impact of this missense change (SIFT: "Deleterious"; PolyPhen-2: "Benign"; Align-GVGD: "Class C0"). This variant has not been reported in the literature in individuals with BRCA2-related conditions. This variant is not present in population databases (ExAC no frequency). This sequence change replaces alanine with glycine at codon 227 of the BRCA2 protein (p.Ala227Gly). The alanine residue is moderately conserved and there is a small physicochemical difference between alanine and glycine.

NM_000059.4(BRCA2):c.680C>G (p.Ala227Gly)

Gene: BRCA2 (BRCA2 DNA repair associated; plus strand). Cytogenetic location: 13q13.1.
Variant type: single nucleotide variant.
Coding change: c.680C>G on transcript NM_000059.4 (MANE Select); coding-DNA position 680, C replaced by G.
Protein change: p.Ala227Gly; replaces alanine 227 with glycine.
Molecular consequence: missense variant.
Genome position (GRCh38, 1-based): chr13:32,329,491, C>G. VCF-style: chr13-32329491-C-G. GRCh37 (hg19) VCF-style: chr13-32903628-C-G.
Other names: short protein forms A227G.
Identifiers: ClinVar variation 851119 (VCV000851119.12), dbSNP rs149565664, ClinGen allele CA387759527.